The following is an entry in ClinVar:

NM_001972.4(ELANE):c.573G>T (p.Arg191Ser)

Gene: ELANE (elastase, neutrophil expressed; plus strand). Cytogenetic location: 19p13.3.
Variant type: single nucleotide variant.
Coding change: c.573G>T on transcript NM_001972.4 (MANE Select); coding-DNA position 573, G replaced by T.
Protein change: p.Arg191Ser; replaces arginine 191 with serine.
Molecular consequence: missense variant.
Genome position (GRCh38, 1-based): chr19:855,770, G>T. VCF-style: chr19-855770-G-T. GRCh37 (hg19) VCF-style: chr19-855770-G-T.
Other names: short protein forms R191S.
Identifiers: ClinVar variation 1009601 (VCV001009601.12), dbSNP rs754277797, ClinGen allele CA402918731.

ClinVar aggregate classification (germline): Uncertain significance. Review status: criteria provided, multiple submitters, no conflicts (2 of 4 stars). 2 submissions from 2 submitters: Uncertain significance (2). Last evaluated 2023-10-24.

Conditions:
Cyclical neutropenia. Also called: Cyclic hematopoiesis; Cyclic Neutropenia. Identifiers: Orphanet 2686, MedGen C0221023, MONDO:0008090, OMIM 162800, HP:0040289. Disease mechanism: loss of function.
Neutropenia, severe congenital, 1, autosomal dominant. Identifiers: MedGen C1859966, MONDO:0042490, OMIM 202700.

Submissions (2):

Labcorp Genetics (formerly Invitae), Labcorp
Classification: Uncertain significance for Neutropenia, severe congenital, 1, autosomal dominant; Cyclical neutropenia. Last evaluated: 2023-10-24. Review status: criteria provided, single submitter. Criteria: Invitae Variant Classification Sherloc (09022015). Collection method: clinical testing. Allele origin: germline.
Comment: This sequence change replaces arginine, which is basic and polar, with serine, which is neutral and polar, at codon 191 of the ELANE protein (p.Arg191Ser). This variant is not present in population databases (gnomAD no frequency). This missense change has been observed in individual(s) with severe congenital neutropenia (PMID: 19775295). This variant is also known as p.R162S. ClinVar contains an entry for this variant (Variation ID: 1009601). Advanced modeling of protein sequence and biophysical properties (such as structural, functional, and spatial information, amino acid conservation, physicochemical variation, residue mobility, and thermodynamic stability) has been performed at Invitae for this missense variant, however the output from this modeling did not meet the statistical confidence thresholds required to predict the impact of this variant on ELANE protein function. Algorithms developed to predict the effect of sequence changes on RNA splicing suggest that this variant may disrupt the consensus splice site. In summary, the available evidence is currently insufficient to determine the role of this variant in disease. Therefore, it has been classified as a Variant of Uncertain Significance.

Blueprint Genetics
Classification: Uncertain significance. Last evaluated: 2022-12-23. Review status: criteria provided, single submitter. Criteria: ACMG Guidelines, 2015. Collection method: clinical testing. Allele origin: germline.

Literature cited by the submitters: PubMed 19775295 (cited by Labcorp Genetics (formerly Invitae), Labcorp).